The following is an entry in ClinVar:

ClinVar aggregate classification (germline): Pathogenic (1 of 4 stars; one submission).

Submission:

Clinical Genomics Laboratory, Laboratory for Precision Diagnostics, University of Washington
Classification: Pathogenic. Last evaluated: 2021-08-26. Review status: criteria provided, single submitter. Criteria: ACMG/ClinGen CNV Guidelines, 2019. Collection method: clinical testing. Allele origin: unknown. Affected: yes. Observed: 1 variant allele.
Comment: The deletion contains the entirety of the region of 15q11.2 associated with the 15q11.2 BP1-BP2 microdeletion syndrome, a condition with incomplete penetrance and variable expressivity.

Literature cited by the submitters: PubMed 28387067; PubMed 21841781; PubMed 25689425; PubMed 25946043; PubMed 23258348.

GRCh38/hg38 15q11.2(chr15:22600363-23220738)x1

Genes: MIR4509-1 (microRNA 4509-1; plus strand), CYFIP1 (cytoplasmic FMR1 interacting protein 1; minus strand), GOLGA6L1 (golgin A6 family like 1; minus strand), NIPA1 (NIPA magnesium transporter 1; plus strand), NIPA2 (NIPA magnesium transporter 2; plus strand) and 17 more. Cytogenetic location: 15q11.2.
Variant type: copy number loss.
Change: copy number 1 (one copy instead of two) of chr15:22,600,363-23,220,738 (620.4 kb, GRCh38 coordinates, 1-based), cytogenetic band 15q11.2.
Identifiers: ClinVar variation 4755353 (VCV004755353.1).